The following is an entry in ClinVar:

NM_177400.3(NKX6-2):c.568_569dup (p.Ser190fs)

Gene: NKX6-2 (NK6 homeobox 2; minus strand). Cytogenetic location: 10q26.3.
Variant type: Microsatellite.
Coding change: c.568_569dup on transcript NM_177400.3 (MANE Select); coding-DNA positions 568 to 569, 2 bases duplicated (AG; older notation c.568_569dupAG).
Protein change: p.Ser190fs; shifts the reading frame from serine 190.
Molecular consequence: frameshift variant.
Genome position (GRCh38, 1-based): chr10:132,785,290-132,785,291, CT duplicated on the plus strand (AG on the coding strand, the reverse complement: NKX6-2 is on the minus strand); duplicating any 2 consecutive bases within chr10:132,785,290-132,785,294 gives the same sequence; the c. name uses the placement nearest the transcript's 3' end. VCF-style (leftmost placement, unchanged base first): chr10-132785289-G-GCT. GRCh37 (hg19) VCF-style: chr10-134598793-G-GCT.
Other names: short protein forms S190fs.
Identifiers: ClinVar variation 3655573 (VCV003655573.2).

ClinVar aggregate classification (germline): Pathogenic (1 of 4 stars; one submission).

Submission:

Labcorp Genetics (formerly Invitae), Labcorp
Classification: Pathogenic. Last evaluated: 2024-06-14. Review status: criteria provided, single submitter. Criteria: Invitae Variant Classification Sherloc (09022015). Collection method: clinical testing. Allele origin: germline.
Comment: This sequence change creates a premature translational stop signal (p.Ser190Argfs*4) in the NKX6-2 gene. While this is not anticipated to result in nonsense mediated decay, it is expected to disrupt the last 88 amino acid(s) of the NKX6-2 protein. This variant is not present in population databases (gnomAD no frequency). This variant has not been reported in the literature in individuals affected with NKX6-2-related conditions. This variant disrupts a region of the NKX6-2 protein in which other variant(s) (p.Gln197*) have been determined to be pathogenic (PMID: 28969374). This suggests that this is a clinically significant region of the protein, and that variants that disrupt it are likely to be disease-causing. For these reasons, this variant has been classified as Pathogenic.

Literature cited by the submitters: PubMed 28969374.